The following is an entry in ClinVar:

ClinVar aggregate classification (germline): Uncertain significance (1 of 4 stars; one submission).

Submission:

Labcorp Genetics (formerly Invitae), Labcorp
Classification: Uncertain significance. Last evaluated: 2024-10-08. Review status: criteria provided, single submitter. Criteria: Invitae Variant Classification Sherloc (09022015). Collection method: clinical testing. Allele origin: germline.
Comment: This sequence change replaces glycine, which is neutral and non-polar, with glutamic acid, which is acidic and polar, at codon 222 of the HSD11B2 protein (p.Gly222Glu). This variant is not present in population databases (gnomAD no frequency). This variant has not been reported in the literature in individuals affected with HSD11B2-related conditions. An algorithm developed to predict the effect of missense changes on protein structure and function (PolyPhen-2) suggests that this variant is likely to be disruptive. In summary, the available evidence is currently insufficient to determine the role of this variant in disease. Therefore, it has been classified as a Variant of Uncertain Significance.

NM_000196.4(HSD11B2):c.665G>A (p.Gly222Glu)

Gene: HSD11B2 (hydroxysteroid 11-beta dehydrogenase 2; plus strand). Cytogenetic location: 16q22.1.
Variant type: single nucleotide variant.
Coding change: c.665G>A on transcript NM_000196.4 (MANE Select); coding-DNA position 665, G replaced by A.
Protein change: p.Gly222Glu; replaces glycine 222 with glutamic acid.
Molecular consequence: missense variant.
Genome position (GRCh38, 1-based): chr16:67,436,249, G>A. VCF-style: chr16-67436249-G-A. GRCh37 (hg19) VCF-style: chr16-67470152-G-A.
Other names: short protein forms G222E.
Identifiers: ClinVar variation 3667516 (VCV003667516.2).
Genomic context (GRCh38, chr16:67,436,249, plus strand): 5'-GGGAGGGCTTAGGGAGCCCCTTGCCAAAGCTGAGCTGCCCCACTCCCAATCCATCCGCAG[G>A]GGACATGCCATATCCGTGCTTGGGGGCCTATGGAACCTCCAAAGCGGCCGTGGCGCTACT-3'
Protein context (NP_000187.3, residues 212-232): GRIVTVGSPA[Gly222Glu]DMPYPCLGAY